The following is an entry in ClinVar:

NM_001195263.2(PDZD7):c.2239C>T (p.Arg747Trp)

Gene: PDZD7 (PDZ domain containing 7; minus strand). Cytogenetic location: 10q24.31.
Variant type: single nucleotide variant.
Coding change: c.2239C>T on transcript NM_001195263.2 (MANE Select); coding-DNA position 2239, C replaced by T.
Protein change: p.Arg747Trp; replaces arginine 747 with tryptophan.
Molecular consequence: missense variant.
Genome position (GRCh38, 1-based): chr10:101,010,650, G>A on the plus strand (C>T on the coding strand, the complement: PDZD7 is on the minus strand). VCF-style: chr10-101010650-G-A. GRCh37 (hg19) VCF-style: chr10-102770407-G-A.
Other names: short protein forms R747W.
Identifiers: ClinVar variation 1436865 (VCV001436865.7), dbSNP rs1329708693, ClinGen allele CA378224842.

ClinVar aggregate classification (germline): Uncertain significance (1 of 4 stars; one submission).

Submission:

Labcorp Genetics (formerly Invitae), Labcorp
Classification: Uncertain significance. Last evaluated: 2022-07-05. Review status: criteria provided, single submitter. Criteria: Invitae Variant Classification Sherloc (09022015). Collection method: clinical testing. Allele origin: germline.
Comment: This sequence change replaces arginine, which is basic and polar, with tryptophan, which is neutral and slightly polar, at codon 747 of the PDZD7 protein (p.Arg747Trp). The frequency data for this variant in the population databases is considered unreliable, as metrics indicate poor data quality at this position in the gnomAD database. In summary, the available evidence is currently insufficient to determine the role of this variant in disease. Therefore, it has been classified as a Variant of Uncertain Significance. Algorithms developed to predict the effect of missense changes on protein structure and function are either unavailable or do not agree on the potential impact of this missense change (SIFT: "Deleterious"; PolyPhen-2: "Not Available"; Align-GVGD: "Class C0"). ClinVar contains an entry for this variant (Variation ID: 1436865). This missense change has been observed in individual(s) with deafness (PMID: 30733538).

Literature cited by the submitters: PubMed 30733538.